The following is an entry in ClinVar:

NM_002206.3(ITGA7):c.2380C>A (p.Pro794Thr)

Genes: ITGA7 (integrin subunit alpha 7; minus strand), LOC126861535 (CDK7 strongly-dependent group 2 enhancer GRCh37_chr12:56087579-56088778; plus strand). Cytogenetic location: 12q13.2.
Variant type: single nucleotide variant.
Coding change: c.2380C>A on transcript NM_002206.3 (MANE Select); coding-DNA position 2380, C replaced by A.
Protein change: p.Pro794Thr; replaces proline 794 with threonine.
Molecular consequence: missense variant.
Genome position (GRCh38, 1-based): chr12:55,694,308, G>T on the plus strand (C>A on the coding strand, the complement: ITGA7 is on the minus strand). VCF-style: chr12-55694308-G-T. GRCh37 (hg19) VCF-style: chr12-56088092-G-T.
Other names: c.2392C>A, p.Pro798Thr (NM_001144996.2); c.2293C>A, p.Pro765Thr (NM_001414031.1); c.2101C>A, p.Pro701Thr (NM_001144997.2); c.2053C>A, p.Pro685Thr (NM_001367993.1); c.1036C>A, p.Pro346Thr (NM_001367994.1); c.2362C>A, p.Pro788Thr (NM_001374465.1); c.2512C>A, p.Pro838Thr (NM_001410977.1); c.2374C>A, p.Pro792Thr (NM_001414029.1); and 5 more; short protein forms P685T, P794T, P701T, P798T, P346T, P788T, P838T, P769T.
Identifiers: ClinVar variation 864770 (VCV000864770.10), dbSNP rs1872133759, ClinGen allele CA385182931.

ClinVar aggregate classification (germline): Uncertain significance (1 of 4 stars; one submission).

Conditions:
Congenital muscular dystrophy due to integrin alpha-7 deficiency. Also called: MYOPATHY, CONGENITAL, DUE TO INTEGRIN ALPHA-7 DEFICIENCY; Congenital muscular dystrophy with integrin alpha-7 deficiency; Muscular dystrophy, congenital, due to ITGA7 deficiency. Identifiers: Orphanet 34520, MedGen C2750786, MONDO:0013177, OMIM 613204.

Submission:

Labcorp Genetics (formerly Invitae), Labcorp
Classification: Uncertain significance for Congenital muscular dystrophy due to integrin alpha-7 deficiency. Last evaluated: 2022-06-14. Review status: criteria provided, single submitter. Criteria: Invitae Variant Classification Sherloc (09022015). Collection method: clinical testing. Allele origin: germline.
Comment: ClinVar contains an entry for this variant (Variation ID: 864770). Algorithms developed to predict the effect of missense changes on protein structure and function are either unavailable or do not agree on the potential impact of this missense change (SIFT: "Tolerated"; PolyPhen-2: "Possibly Damaging"; Align-GVGD: "Class C0"). In summary, the available evidence is currently insufficient to determine the role of this variant in disease. Therefore, it has been classified as a Variant of Uncertain Significance. This variant has not been reported in the literature in individuals affected with ITGA7-related conditions. This variant is not present in population databases (gnomAD no frequency). This sequence change replaces proline, which is neutral and non-polar, with threonine, which is neutral and polar, at codon 794 of the ITGA7 protein (p.Pro794Thr).